The following is an entry in ClinVar:

ClinVar aggregate classification (germline): Uncertain significance (1 of 4 stars; one submission).

Allele frequency attached by ClinVar (database versions not stated): gnomAD exomes below 0.00001.
gnomAD v4.1: 1 of 1,614,154 alleles (0.000062%); highest among the groups gnomAD compares: Admixed American, 0.0017%; no homozygotes.

Submission:

Labcorp Genetics (formerly Invitae), Labcorp
Classification: Uncertain significance. Last evaluated: 2024-04-10. Review status: criteria provided, single submitter. Criteria: Invitae Variant Classification Sherloc (09022015). Collection method: clinical testing. Allele origin: germline.
Comment: This sequence change replaces valine, which is neutral and non-polar, with isoleucine, which is neutral and non-polar, at codon 177 of the IFT43 protein (p.Val177Ile). This variant is not present in population databases (gnomAD no frequency). This variant has not been reported in the literature in individuals affected with IFT43-related conditions. ClinVar contains an entry for this variant (Variation ID: 1911375). Algorithms developed to predict the effect of missense changes on protein structure and function output the following: SIFT: "Not Available"; PolyPhen-2: "Benign"; Align-GVGD: "Not Available". The isoleucine amino acid residue is found in multiple mammalian species, which suggests that this missense change does not adversely affect protein function. In summary, the available evidence is currently insufficient to determine the role of this variant in disease. Therefore, it has been classified as a Variant of Uncertain Significance.

NM_001102564.3(IFT43):c.514G>A (p.Val172Ile)

Gene: IFT43 (intraflagellar transport 43; plus strand). Cytogenetic location: 14q24.3.
Variant type: single nucleotide variant.
Coding change: c.514G>A on transcript NM_001102564.3 (MANE Select); coding-DNA position 514, G replaced by A.
Protein change: p.Val172Ile; replaces valine 172 with isoleucine.
Molecular consequence: missense variant. On other transcripts: non-coding transcript variant (2).
Genome position (GRCh38, 1-based): chr14:76,083,464, G>A. VCF-style: chr14-76083464-G-A. GRCh37 (hg19) VCF-style: chr14-76549807-G-A.
Other names: c.529G>A, p.Val177Ile (NM_052873.3); short protein forms V172I, V177I.
Identifiers: ClinVar variation 1911375 (VCV001911375.5), dbSNP rs2503040330, ClinGen allele CA390474658.